The following is an entry in ClinVar:

ClinVar aggregate classification (germline): Uncertain significance (1 of 4 stars; one submission).

Conditions:
Brugada syndrome 8 (BRGDA8). Identifiers: Orphanet 130, MedGen C2751083, MONDO:0013148, OMIM 613123.

Submission:

Labcorp Genetics (formerly Invitae), Labcorp
Classification: Uncertain significance for Brugada syndrome 8. Last evaluated: 2023-08-17. Review status: criteria provided, single submitter. Criteria: Invitae Variant Classification Sherloc (09022015). Collection method: clinical testing. Allele origin: germline.
Comment: This variant is not present in population databases (gnomAD no frequency). This variant has not been reported in the literature in individuals affected with HCN4-related conditions. Advanced modeling of protein sequence and biophysical properties (such as structural, functional, and spatial information, amino acid conservation, physicochemical variation, residue mobility, and thermodynamic stability) performed at Invitae indicates that this missense variant is not expected to disrupt HCN4 protein function. In summary, the available evidence is currently insufficient to determine the role of this variant in disease. Therefore, it has been classified as a Variant of Uncertain Significance. This sequence change replaces proline, which is neutral and non-polar, with arginine, which is basic and polar, at codon 1192 of the HCN4 protein (p.Pro1192Arg).

NM_005477.3(HCN4):c.3575C>G (p.Pro1192Arg)

Gene: HCN4 (hyperpolarization activated cyclic nucleotide gated potassium channel 4; minus strand). Cytogenetic location: 15q24.1.
Variant type: single nucleotide variant.
Coding change: c.3575C>G on transcript NM_005477.3 (MANE Select); coding-DNA position 3575, C replaced by G.
Protein change: p.Pro1192Arg; replaces proline 1192 with arginine.
Molecular consequence: missense variant.
Genome position (GRCh38, 1-based): chr15:73,322,518, G>C on the plus strand (C>G on the coding strand, the complement: HCN4 is on the minus strand). VCF-style: chr15-73322518-G-C. GRCh37 (hg19) VCF-style: chr15-73614859-G-C.
Other names: short protein forms P1192R.
Identifiers: ClinVar variation 2837424 (VCV002837424.3), dbSNP rs774400171, ClinGen allele CA393084754.